The following is an entry in ClinVar:

NM_182914.3(SYNE2):c.1405C>T (p.Arg469Ter)

Gene: SYNE2 (spectrin repeat containing nuclear envelope protein 2; plus strand). Cytogenetic location: 14q23.2.
Variant type: single nucleotide variant.
Coding change: c.1405C>T on transcript NM_182914.3 (MANE Select); coding-DNA position 1405, C replaced by T.
Protein change: p.Arg469Ter; replaces arginine 469 with a stop codon.
Molecular consequence: nonsense.
Genome position (GRCh38, 1-based): chr14:63,978,016, C>T. VCF-style: chr14-63978016-C-T. GRCh37 (hg19) VCF-style: chr14-64444734-C-T.
Other names: c.1405C>T, p.Arg469Ter (NM_015180.6); short protein forms R469*.
Identifiers: ClinVar variation 956605 (VCV000956605.8), dbSNP rs772555259, ClinGen allele CA7219420.

ClinVar aggregate classification (germline): Uncertain significance. Review status: criteria provided, multiple submitters, no conflicts (2 of 4 stars). 2 submissions from 2 submitters: Uncertain significance (2). Last evaluated 2024-08-13.

Conditions:
Emery-Dreifuss muscular dystrophy 5, autosomal dominant (EDMD5). Also called: EMERY-DREIFUSS MUSCULAR DYSTROPHY 5. Identifiers: Orphanet 261, MedGen C2751805, MONDO:0013072, OMIM 612999.

Allele frequency attached by ClinVar (database versions not stated): gnomAD exomes below 0.00001; ExAC 0.00001.

Submissions (2):

Revvity Omics, Revvity
Classification: Uncertain significance for Emery-Dreifuss muscular dystrophy 5, autosomal dominant. Last evaluated: 2024-08-13. Review status: criteria provided, single submitter. Criteria: ACMG Guidelines, 2015. Collection method: clinical testing. Allele origin: germline.

Labcorp Genetics (formerly Invitae), Labcorp
Classification: Uncertain significance for Emery-Dreifuss muscular dystrophy 5, autosomal dominant. Last evaluated: 2023-08-17. Review status: criteria provided, single submitter. Criteria: Invitae Variant Classification Sherloc (09022015). Collection method: clinical testing. Allele origin: germline.
Comment: This sequence change creates a premature translational stop signal (p.Arg469*) in the SYNE2 gene. It is expected to result in an absent or disrupted protein product. However, the current clinical and genetic evidence is not sufficient to establish whether loss-of-function variants in SYNE2 cause disease. This variant is present in population databases (rs772555259, gnomAD 0.004%). In summary, the available evidence is currently insufficient to determine the role of this variant in disease. Therefore, it has been classified as a Variant of Uncertain Significance. ClinVar contains an entry for this variant (Variation ID: 956605). This variant has not been reported in the literature in individuals affected with SYNE2-related conditions.